The following is an entry in ClinVar:

NM_001127222.2(CACNA1A):c.2718G>A (p.Arg906=)

Gene: CACNA1A (calcium voltage-gated channel subunit alpha1 A; minus strand). Cytogenetic location: 19p13.13.
Variant type: single nucleotide variant.
Coding change: c.2718G>A on transcript NM_001127222.2 (MANE Select); coding-DNA position 2718, G replaced by A.
Protein change: p.Arg906=; no amino-acid change (arginine 906 retained).
Molecular consequence: synonymous variant.
Genome position (GRCh38, 1-based): chr19:13,298,915, C>T on the plus strand (G>A on the coding strand, the complement: CACNA1A is on the minus strand). VCF-style: chr19-13298915-C-T. GRCh37 (hg19) VCF-style: chr19-13409729-C-T.
Other names: p.Arg907=; c.2730G>A, p.Arg910= (NM_000068.4, NM_023035.3); c.2721G>A, p.Arg907= (NM_001127221.2, NM_001174080.2).
Identifiers: ClinVar variation 386170 (VCV000386170.18), dbSNP rs909344317, ClinGen allele CA16607735.

ClinVar aggregate classification (germline): Likely benign. Review status: criteria provided, multiple submitters, no conflicts (2 of 4 stars). 4 submissions from 4 submitters: Likely benign (4). Last evaluated 2025-11-01.

Conditions:
Developmental and epileptic encephalopathy, 42 (DEE42A). Also called: DEVELOPMENTAL AND EPILEPTIC ENCEPHALOPATHY 42A; EPILEPTIC ENCEPHALOPATHY, EARLY INFANTILE, 42A; Epileptic encephalopathy, early infantile, 42. Identifiers: MedGen C4310716, MONDO:0014917, OMIM 617106.
Episodic ataxia type 2 (EA2). Also called: ATAXIA, EPISODIC, WITH NYSTAGMUS; ATAXIA, FAMILIAL PAROXYSMAL; CEREBELLAR ATAXIA, PAROXYSMAL, ACETAZOLAMIDE-RESPONSIVE; CEREBELLOPATHY, HEREDITARY PAROXYSMAL; ACETAZOLAMIDE-RESPONSIVE HEREDITARY PAROXYSMAL CEREBELLAR ATAXIA; EPISODIC ATAXIA, NYSTAGMUS-ASSOCIATED. Identifiers: Orphanet 97, MedGen C1720416, MONDO:0007163, OMIM 108500.

Allele frequency attached by ClinVar (database versions not stated): gnomAD exomes below 0.00001; gnomAD 0.00003 and 0.00004; TOPMed 0.00004.
gnomAD v4.1: 9 of 1,594,592 alleles (0.00056%); highest among the groups gnomAD compares: African/African-American, 0.011%; no homozygotes.

Submissions (4):

CeGaT Center for Human Genetics Tuebingen
Classification: Likely benign. Last evaluated: 2025-11-01. Review status: criteria provided, single submitter. Criteria: CeGaT Center For Human Genetics Tuebingen Variant Classification Criteria Version 2. Collection method: clinical testing. Allele origin: germline. Affected: yes. Observed: 1 variant allele.
Comment: CACNA1A: BP4, BP7

Mayo Clinic Laboratories, Mayo Clinic
Classification: Likely benign. Last evaluated: 2025-01-13. Review status: criteria provided, single submitter. Criteria: ACMG Guidelines, 2015. Collection method: clinical testing. Allele origin: germline. Observed: 1 variant allele.
Comment: BS2, BP4, BP7

Labcorp Genetics (formerly Invitae), Labcorp
Classification: Likely benign for Developmental and epileptic encephalopathy, 42; Episodic ataxia type 2. Last evaluated: 2024-11-12. Review status: criteria provided, single submitter. Criteria: Invitae Variant Classification Sherloc (09022015). Collection method: clinical testing. Allele origin: germline.

GeneDx
Classification: Likely benign. Last evaluated: 2020-07-28. Review status: criteria provided, single submitter. Criteria: GeneDx Variant Classification Process June 2021. Collection method: clinical testing. Allele origin: germline. Affected: yes.